The following is an entry in ClinVar:

NM_000179.3(MSH6):c.3711G>A (p.Glu1237=)

Gene: MSH6 (mutS homolog 6; plus strand). Cytogenetic location: 2p16.3.
Variant type: single nucleotide variant.
Coding change: c.3711G>A on transcript NM_000179.3 (MANE Select); coding-DNA position 3711, G replaced by A.
Protein change: p.Glu1237=; no amino-acid change (glutamic acid 1237 retained).
Molecular consequence: synonymous variant.
Genome position (GRCh38, 1-based): chr2:47,806,268, G>A. VCF-style: chr2-47806268-G-A. GRCh37 (hg19) VCF-style: chr2-48033407-G-A.
Other names: c.3321G>A, p.Glu1107= (NM_001281492.2); c.2805G>A, p.Glu935= (NM_001281493.2, NM_001281494.2).
Identifiers: ClinVar variation 184788 (VCV000184788.29), dbSNP rs754289472, ClinGen allele CA013930.

ClinVar aggregate classification (germline): Benign/Likely benign. Review status: criteria provided, multiple submitters, no conflicts (2 of 4 stars). 9 submissions from 9 submitters: Benign (1); Likely benign (7). 1 of the submissions does not count toward it. Last evaluated 2025-11-17.

Conditions:
MSH6-related disorder. Also called: MSH6-related condition; MSH6-Related disorders.
Hereditary cancer-predisposing syndrome. Also called: Hereditary neoplastic syndrome; Neoplastic Syndromes, Hereditary; Tumor predisposition; Hereditary Cancer Syndrome. Identifiers: Orphanet 140162, MedGen C0027672, MeSH D009386, MONDO:0015356.
Hereditary nonpolyposis colorectal neoplasms. Identifiers: MedGen C0009405, MeSH D003123.
Lynch syndrome. Identifiers: Orphanet 144, MedGen C4552100, MONDO:0005835. Disease mechanism: loss of function.
Lynch syndrome 5 (LYNCH5). Also called: Hereditary non-polyposis colorectal cancer, type 5; Colorectal cancer, hereditary nonpolyposis, type 5. Identifiers: Orphanet 144, MedGen C1833477, MONDO:0013710, OMIM 614350. Disease mechanism: loss of function.

Allele frequency attached by ClinVar (database versions not stated): ExAC 0.00001; gnomAD 0.00002 and 0.00003; TOPMed 0.00002.
gnomAD v4.1: 11 of 1,613,948 alleles (0.00068%); highest among the groups gnomAD compares: Non-Finnish European, 0.00093%; no homozygotes.

Submissions (9):

Labcorp Genetics (formerly Invitae), Labcorp
Classification: Likely benign for Hereditary nonpolyposis colorectal neoplasms. Last evaluated: 2025-11-17. Review status: criteria provided, single submitter. Criteria: Invitae Variant Classification Sherloc (09022015). Collection method: clinical testing. Allele origin: germline.

Women's Health and Genetics/Laboratory Corporation of America, LabCorp
Classification: Likely benign. Last evaluated: 2025-01-24. Review status: criteria provided, single submitter. Criteria: LabCorp Variant Classification Summary - May 2015. Collection method: clinical testing. Allele origin: germline.

Myriad Genetics, Inc.
Classification: Benign for Lynch syndrome 5. Last evaluated: 2025-01-07. Review status: criteria provided, single submitter. Criteria: Myriad Autosomal Dominant, Autosomal Recessive and X-Linked Classification Criteria (2023). Collection method: clinical testing. Allele origin: unknown.
Comment: This variant is considered benign. This variant is a silent/synonymous amino acid change and it is not expected to impact splicing.

All of Us Research Program, National Institutes of Health
Classification: Likely benign for Lynch syndrome. Last evaluated: 2023-11-20. Review status: criteria provided, single submitter. Criteria: ACMG Guidelines, 2015. Collection method: clinical testing. Allele origin: germline. Inheritance: Autosomal dominant inheritance. Observed: 3 variant alleles, 3 heterozygotes.
Comment: This study involves interpretation of variants in research participants for the purpose of population health screening. Participant phenotype was not available at the time of variant classification. Additional details can be found in publication PMID: 35346344, PMCID: PMC8962531

GeneDx
Classification: Likely benign. Last evaluated: 2021-10-01. Review status: criteria provided, single submitter. Criteria: GeneDx Variant Classification Process June 2021. Collection method: clinical testing. Allele origin: germline. Affected: yes.

Ambry Genetics
Classification: Likely benign for Hereditary cancer-predisposing syndrome. Last evaluated: 2018-09-29. Review status: criteria provided, single submitter. Criteria: Ambry Variant Classification Scheme 2023. Collection method: clinical testing. Allele origin: germline.

Color Diagnostics, LLC DBA Color Health
Classification: Likely benign for Hereditary cancer-predisposing syndrome. Last evaluated: 2016-04-26. Review status: criteria provided, single submitter. Criteria: ACMG Guidelines, 2015. Collection method: clinical testing. Allele origin: germline.

Breakthrough Genomics
Classification: Likely benign. Review status: criteria provided, single submitter. Criteria: ACMG Guidelines, 2015. Collection method: not provided. Allele origin: germline. Inheritance: Autosomal recessive inheritance. Affected: yes.

PreventionGenetics, part of Exact Sciences
Classification: Likely benign for MSH6-related condition. Last evaluated: 2023-07-18. Review status: no assertion criteria provided. Collection method: clinical testing. Allele origin: germline. Not counted in ClinVar's aggregate classification.
Comment: This variant is classified as likely benign based on ACMG/AMP sequence variant interpretation guidelines (Richards et al. 2015 PMID: 25741868, with internal and published modifications).